The following is an entry in ClinVar:

ClinVar aggregate classification (germline): Uncertain significance. Review status: criteria provided, multiple submitters, no conflicts (2 of 4 stars). 3 submissions from 3 submitters: Uncertain significance (3). Last evaluated 2025-11-18.

Conditions:
Cyclical neutropenia. Also called: Cyclic Neutropenia; Cyclic hematopoiesis. Identifiers: Orphanet 2686, MedGen C0221023, MONDO:0008090, OMIM 162800, HP:0040289. Disease mechanism: loss of function.
Neutropenia, severe congenital, 1, autosomal dominant. Identifiers: MedGen C1859966, MONDO:0042490, OMIM 202700.
Inborn genetic diseases. Identifiers: MedGen C0950123, MeSH D030342.

gnomAD v4.1: 4 of 1,599,596 alleles (0.00025%); highest among the groups gnomAD compares: Non-Finnish European, 0.00034%; no homozygotes.

Submissions (3):

Labcorp Genetics (formerly Invitae), Labcorp
Classification: Uncertain significance for Neutropenia, severe congenital, 1, autosomal dominant; Cyclical neutropenia. Last evaluated: 2025-11-18. Review status: criteria provided, single submitter. Criteria: Invitae Variant Classification Sherloc (09022015). Collection method: clinical testing. Allele origin: germline.
Comment: This sequence change replaces asparagine, which is neutral and polar, with lysine, which is basic and polar, at codon 76 of the ELANE protein (p.Asn76Lys). This variant is not present in population databases (gnomAD no frequency). This variant has not been reported in the literature in individuals affected with ELANE-related conditions. ClinVar contains an entry for this variant (Variation ID: 1686767). Invitae Evidence Modeling of protein sequence and biophysical properties (such as structural, functional, and spatial information, amino acid conservation, physicochemical variation, residue mobility, and thermodynamic stability) has been performed for this missense variant. However, the output from this modeling did not meet the statistical confidence thresholds required to predict the impact of this variant on ELANE protein function. In summary, the available evidence is currently insufficient to determine the role of this variant in disease. Therefore, it has been classified as a Variant of Uncertain Significance.

GeneDx
Classification: Uncertain significance. Last evaluated: 2024-10-30. Review status: criteria provided, single submitter. Criteria: GeneDx Variant Classification Process June 2021. Collection method: clinical testing. Allele origin: germline.
Comment: Not observed at significant frequency in large population cohorts (gnomAD); In silico analysis supports that this missense variant has a deleterious effect on protein structure/function; Has not been previously published as pathogenic or benign to our knowledge; Also known as N47K

Ambry Genetics
Classification: Uncertain significance for Inborn genetic diseases. Last evaluated: 2024-10-05. Review status: criteria provided, single submitter. Criteria: Ambry Variant Classification Scheme 2023. Collection method: clinical testing. Allele origin: germline.
Comment: The p.N76K variant (also known as c.228C>A), located in coding exon 3 of the ELANE gene, results from a C to A substitution at nucleotide position 228. The asparagine at codon 76 is replaced by lysine, an amino acid with similar properties. This amino acid position is conserved. In addition, the in silico prediction for this alteration is inconclusive. Based on the available evidence, the clinical significance of this variant remains unclear.

NM_001972.4(ELANE):c.228C>A (p.Asn76Lys)

Gene: ELANE (elastase, neutrophil expressed; plus strand). Cytogenetic location: 19p13.3.
Variant type: single nucleotide variant.
Coding change: c.228C>A on transcript NM_001972.4 (MANE Select); coding-DNA position 228, C replaced by A.
Protein change: p.Asn76Lys; replaces asparagine 76 with lysine.
Molecular consequence: missense variant.
Genome position (GRCh38, 1-based): chr19:853,265, C>A. VCF-style: chr19-853265-C-A. GRCh37 (hg19) VCF-style: chr19-853265-C-A.
Other names: short protein forms N76K.
Identifiers: ClinVar variation 1686767 (VCV001686767.9), dbSNP rs746799175, ClinGen allele CA402915100.
Genomic context (GRCh38, chr19:853,265, plus strand): 5'-CGGCTGAGCCCCGACCCCCGGGGCCGCCCCTGAGCCCCGCCTCTCCCTCCCCGGCAGAAA[C>A]GTCCGCGCGGTGCGGGTGGTCCTGGGAGCCCATAACCTCTCGCGGCGGGAGCCCACCCGG-3'
Protein context (NP_001963.1, residues 66-86): MSAAHCVANV[Asn76Lys]VRAVRVVLGA